The following is an entry in ClinVar:

ClinVar aggregate classification (germline): Uncertain significance (1 of 4 stars; one submission).

Allele frequency attached by ClinVar (database versions not stated): gnomAD exomes below 0.00001; TOPMed below 0.00001; ExAC 0.00001.

Submission:

Labcorp Genetics (formerly Invitae), Labcorp
Classification: Uncertain significance. Last evaluated: 2023-10-13. Review status: criteria provided, single submitter. Criteria: Invitae Variant Classification Sherloc (09022015). Collection method: clinical testing. Allele origin: germline.
Comment: This sequence change replaces glutamine, which is neutral and polar, with arginine, which is basic and polar, at codon 722 of the VPS11 protein (p.Gln722Arg). This variant is not present in population databases (gnomAD no frequency). This variant has not been reported in the literature in individuals affected with VPS11-related conditions. ClinVar contains an entry for this variant (Variation ID: 1387159). Advanced modeling of protein sequence and biophysical properties (such as structural, functional, and spatial information, amino acid conservation, physicochemical variation, residue mobility, and thermodynamic stability) performed at Invitae indicates that this missense variant is not expected to disrupt VPS11 protein function. In summary, the available evidence is currently insufficient to determine the role of this variant in disease. Therefore, it has been classified as a Variant of Uncertain Significance.

NM_021729.6(VPS11):c.2165A>G (p.Gln722Arg)

Gene: VPS11 (VPS11 core subunit of CORVET and HOPS complexes; plus strand). Cytogenetic location: 11q23.3.
Variant type: single nucleotide variant.
Coding change: c.2165A>G on transcript NM_021729.6 (MANE Select); coding-DNA position 2165, A replaced by G.
Protein change: p.Gln722Arg; replaces glutamine 722 with arginine.
Molecular consequence: missense variant. On other transcripts: non-coding transcript variant (8).
Genome position (GRCh38, 1-based): chr11:119,078,896, A>G. VCF-style: chr11-119078896-A-G. GRCh37 (hg19) VCF-style: chr11-118949606-A-G.
Other names: c.2135A>G, p.Gln712Arg (NM_001290185.2); c.2177A>G, p.Gln726Arg (NM_001378218.1, NM_001378219.1); c.2150A>G, p.Gln717Arg (NM_001378220.1); c.2147A>G, p.Gln716Arg (NM_001378221.1); short protein forms Q712R, Q726R, Q716R, Q717R, Q722R.
Identifiers: ClinVar variation 1387159 (VCV001387159.6), dbSNP rs782745639, ClinGen allele CA6313647.